The following is an entry in ClinVar:

NM_020812.4(DOCK6):c.4843G>A (p.Glu1615Lys)

Genes: DOCK6 (dedicator of cytokinesis 6; minus strand), DOCK6-AS1 (DOCK6 antisense RNA 1; plus strand). Cytogenetic location: 19p13.2.
Variant type: single nucleotide variant.
Coding change: c.4843G>A on transcript NM_020812.4 (MANE Select); coding-DNA position 4843, G replaced by A.
Protein change: p.Glu1615Lys; replaces glutamic acid 1615 with lysine.
Molecular consequence: missense variant.
Genome position (GRCh38, 1-based): chr19:11,209,012, C>T on the plus strand (G>A on the coding strand, the complement: DOCK6 is on the minus strand). VCF-style: chr19-11209012-C-T. GRCh37 (hg19) VCF-style: chr19-11319688-C-T.
Other names: c.4843G>A (NM_020812.2); c.4948G>A, p.Glu1650Lys (NM_001367830.1); short protein forms E1615K, E1650K.
Identifiers: ClinVar variation 1473966 (VCV001473966.7), dbSNP rs781652427, ClinGen allele CA9206719.
Genomic context (GRCh38, chr19:11,209,012, plus strand): 5'-CGAGCAGGGCGAGGTACTCAGCCACGAGGGCGGCCGCGTGCACCATGCACTGGGCGGCCT[C>T]GGCGTGGTTGCCCAGCTCCGCGTGCTTCCCGGCCATGTTCTGCAACCAGGTCAGCCGAAG-3'
Protein context (NP_065863.2, residues 1605-1625): GKHAELGNHA[Glu1615Lys]AAQCMVHAAA

ClinVar aggregate classification (germline): Uncertain significance. Review status: criteria provided, multiple submitters, no conflicts (2 of 4 stars). 3 submissions from 3 submitters: Uncertain significance (3). Last evaluated 2025-10-21.

Conditions:
Inborn genetic diseases. Identifiers: MedGen C0950123, MeSH D030342.

Allele frequency attached by ClinVar (database versions not stated): ExAC 0.00001; gnomAD exomes 0.00007; TOPMed 0.00014; gnomAD 0.00015 and 0.00016.
gnomAD v4.1: 56 of 1,611,484 alleles (0.0035%); highest among the groups gnomAD compares: Admixed American, 0.06%; no homozygotes.

Submissions (3):

Ambry Genetics
Classification: Uncertain significance for Inborn genetic diseases. Last evaluated: 2025-10-21. Review status: criteria provided, single submitter. Criteria: Ambry Variant Classification Scheme 2023. Collection method: clinical testing. Allele origin: germline.

Blueprint Genetics
Classification: Uncertain significance. Last evaluated: 2023-10-04. Review status: criteria provided, single submitter. Criteria: ACMG Guidelines, 2015. Collection method: clinical testing. Allele origin: germline.

Labcorp Genetics (formerly Invitae), Labcorp
Classification: Uncertain significance. Last evaluated: 2022-10-17. Review status: criteria provided, single submitter. Criteria: Invitae Variant Classification Sherloc (09022015). Collection method: clinical testing. Allele origin: germline.
Comment: This sequence change replaces glutamic acid, which is acidic and polar, with lysine, which is basic and polar, at codon 1615 of the DOCK6 protein (p.Glu1615Lys). This variant is present in population databases (rs781652427, gnomAD 0.04%). This variant has not been reported in the literature in individuals affected with DOCK6-related conditions. ClinVar contains an entry for this variant (Variation ID: 1473966). Advanced modeling of protein sequence and biophysical properties (such as structural, functional, and spatial information, amino acid conservation, physicochemical variation, residue mobility, and thermodynamic stability) has been performed at Invitae for this missense variant, however the output from this modeling did not meet the statistical confidence thresholds required to predict the impact of this variant on DOCK6 protein function. In summary, the available evidence is currently insufficient to determine the role of this variant in disease. Therefore, it has been classified as a Variant of Uncertain Significance.